The following is an entry in ClinVar:

NM_001754.5(RUNX1):c.814C>T (p.Gln272Ter)

Gene: RUNX1 (RUNX family transcription factor 1; minus strand). Cytogenetic location: 21q22.12.
Variant type: single nucleotide variant.
Coding change: c.814C>T on transcript NM_001754.5 (MANE Select); coding-DNA position 814, C replaced by T.
Protein change: p.Gln272Ter; replaces glutamine 272 with a stop codon.
Molecular consequence: nonsense.
Genome position (GRCh38, 1-based): chr21:34,799,454, G>A on the plus strand (C>T on the coding strand, the complement: RUNX1 is on the minus strand). VCF-style: chr21-34799454-G-A. GRCh37 (hg19) VCF-style: chr21-36171751-G-A.
Other names: NM_001754.5(RUNX1):c.814C>T; p.Gln272Ter; c.733C>T, p.Gln245Ter (NM_001001890.3); short protein forms Q272*, Q245*.
Identifiers: ClinVar variation 2123057 (VCV002123057.7), dbSNP rs2145910066, ClinGen allele CA410150356.
Genomic context (GRCh38, chr21:34,799,454, plus strand): 5'-CAATGGATCCCAGGTATTGGTAGGACTGATCGTAGGACCACGGTGGGGATGGTTGGATCT[G>A]CCTTGTATCTGAAGAGAATCAGAAAGGTCAATTATATGTAAAGTGGGGTGGGATTTAAAA-3'

ClinVar aggregate classification (germline): Pathogenic. Review status: reviewed by expert panel (3 of 4 stars). 3 submissions from 3 submitters: Pathogenic (1). 2 of the submissions do not count toward it. Last evaluated 2023-12-09.

Conditions:
Hereditary thrombocytopenia and hematological cancer predisposition syndrome associated with RUNX1. Also called: Familial Platelet Disorder with Propensity to Acute Myelogenous Leukemia; Familial thrombocytopenia with propensity to acute myelogenous leukemia; PLATELET DISORDER, ASPIRIN-LIKE; RUNX1 Familial Platelet Disorder with Associated Myeloid Malignancies. Identifiers: Orphanet 71290, MedGen C1832388, MeSH C563324, MONDO:0100083, OMIM 601399.
Hereditary thrombocytopenia and hematologic cancer predisposition syndrome. Identifiers: Orphanet 71290, MedGen CN281654, MONDO:0011071.

Submissions (3):

ClinGen Myeloid Malignancy Variant Curation Expert Panel
Classification: Pathogenic for Hereditary thrombocytopenia and hematologic cancer predisposition syndrome. Last evaluated: 2023-12-09. Review status: reviewed by expert panel. Criteria: ClinGen MyeloMalig ACMG Specifications v2. Collection method: curation. Allele origin: germline. Inheritance: Autosomal dominant inheritance.
Comment: The NM_001754.4:c.814C>T (p.Gln272Ter) variant is a nonsense variant that is predicted to introduce a premature stop codon and is expected to result in nonsense-mediated mRNA decay (PVS1). This variant is completely absent from all population databases with at least 20x coverage for RUNX1 (PM2_supporting). The variant has been reported in ClinVar but has not been observed in a proband meeting at least one of the RUNX1-phenotypic criteria. Nonsense variants downstream of c.98 (PM5_supporting) In summary, this variant meets the criteria to be classified as Pathogenic with ACMG/AMP criteria applied, as specified by the Myeloid Malignancy Variant Curation Expert Panel for RUNX1: PVS1, PM2_supporting, PM5_supporting.

Victorian Clinical Genetics Services, Murdoch Childrens Research Institute
Classification: Pathogenic for Hereditary thrombocytopenia and hematological cancer predisposition syndrome associated with RUNX1. Last evaluated: 2025-03-31. Review status: criteria provided, single submitter. Criteria: ACMG Guidelines, 2015. Collection method: clinical testing. Allele origin: germline. Affected: yes. Not counted in ClinVar's aggregate classification.
Comment: This variant is classified as Pathogenic. Evidence in support of pathogenic classification: Variant is predicted to cause nonsense-mediated decay (NMD) and loss of protein (premature termination codon is located at least 54 nucleotides upstream of the final exon-exon junction); Variant is absent from gnomAD (v2, v3 and v4); This variant has strong previous evidence of pathogenicity in unrelated individuals. This variant has been classified as pathogenic by the ClinGen Myeloid Malignancy Variant Curation Expert Panel in ClinVar; Other NMD-predicted variant(s) comparable to the one identified in this case have very strong previous evidence for pathogenicity (DECIPHER). Additional information: This variant is heterozygous; This gene is associated with autosomal dominant disease; Dominant negative and loss of function are known mechanisms of disease in this gene, and are associated with acute myeloid leukaemia (MIM#601626) and familial platelet disorder with associated myeloid malignancy (MIM#601399) (PMID: 28179279); Inheritance information for this variant is not currently available in this individual.

Labcorp Genetics (formerly Invitae), Labcorp
Classification: Pathogenic for Hereditary thrombocytopenia and hematological cancer predisposition syndrome associated with RUNX1. Last evaluated: 2024-06-28. Review status: criteria provided, single submitter. Criteria: Invitae Variant Classification Sherloc (09022015). Collection method: clinical testing. Allele origin: germline. Not counted in ClinVar's aggregate classification.
Comment: This sequence change creates a premature translational stop signal (p.Gln272*) in the RUNX1 gene. It is expected to result in an absent or disrupted protein product. Loss-of-function variants in RUNX1 are known to be pathogenic (PMID: 18723428, 24100448). This variant is not present in population databases (gnomAD no frequency). This variant has not been reported in the literature in individuals affected with RUNX1-related conditions. This variant is also known as c.733C>T (p.Gln245*). ClinVar contains an entry for this variant (Variation ID: 2123057). Algorithms developed to predict the effect of variants on gene product structure and function are not available or were not evaluated for this variant. Experimental studies have shown that this premature translational stop signal affects RUNX1 function (PMID: 25840971). For these reasons, this variant has been classified as Pathogenic.

Literature cited by the submitters: PubMed 28179279 (cited by Victorian Clinical Genetics Services, Murdoch Childrens Research Institute); PubMed 18723428 (cited by Labcorp Genetics (formerly Invitae), Labcorp); PubMed 24100448 (cited by Labcorp Genetics (formerly Invitae), Labcorp); PubMed 25840971 (cited by Labcorp Genetics (formerly Invitae), Labcorp).